The following is an entry in ClinVar:

ClinVar aggregate classification (germline): Uncertain significance. Review status: criteria provided, multiple submitters, no conflicts (2 of 4 stars). 2 submissions from 2 submitters: Uncertain significance (2). Last evaluated 2025-09-11.

Submissions (2):

Labcorp Genetics (formerly Invitae), Labcorp
Classification: Uncertain significance. Last evaluated: 2025-09-11. Review status: criteria provided, single submitter. Criteria: Invitae Variant Classification Sherloc (09022015). Collection method: clinical testing. Allele origin: germline.
Comment: This sequence change replaces glutamic acid, which is acidic and polar, with glycine, which is neutral and non-polar, at codon 1974 of the PRPF8 protein (p.Glu1974Gly). This variant is not present in population databases (gnomAD no frequency). This variant has not been reported in the literature in individuals affected with PRPF8-related conditions. Invitae Evidence Modeling of protein sequence and biophysical properties (such as structural, functional, and spatial information, amino acid conservation, physicochemical variation, residue mobility, and thermodynamic stability) indicates that this missense variant is not expected to disrupt PRPF8 protein function with a negative predictive value of 80%. In summary, the available evidence is currently insufficient to determine the role of this variant in disease. Therefore, it has been classified as a Variant of Uncertain Significance.

GeneDx
Classification: Uncertain significance. Last evaluated: 2025-07-07. Review status: criteria provided, single submitter. Criteria: GeneDx Variant Classification Process June 2021. Collection method: clinical testing. Allele origin: germline. Affected: yes.
Comment: Not observed at significant frequency in large population cohorts (gnomAD); In silico analysis supports that this missense variant has a deleterious effect on protein structure/function; Has not been previously published as pathogenic or benign to our knowledge

NM_006445.4(PRPF8):c.5921A>G (p.Glu1974Gly)

Gene: PRPF8 (pre-mRNA processing factor 8; minus strand). Cytogenetic location: 17p13.3.
Variant type: single nucleotide variant.
Coding change: c.5921A>G on transcript NM_006445.4 (MANE Select); coding-DNA position 5921, A replaced by G.
Protein change: p.Glu1974Gly; replaces glutamic acid 1974 with glycine.
Molecular consequence: missense variant.
Genome position (GRCh38, 1-based): chr17:1,655,416, T>C on the plus strand (A>G on the coding strand, the complement: PRPF8 is on the minus strand). VCF-style: chr17-1655416-T-C. GRCh37 (hg19) VCF-style: chr17-1558710-T-C.
Other names: short protein forms E1974G.
Identifiers: ClinVar variation 4685257 (VCV004685257.2).